The following is an entry in ClinVar:

NM_031206.7(LAS1L):c.891G>T (p.Trp297Cys)

Gene: LAS1L (LAS1 like ribosome biogenesis factor; minus strand). Cytogenetic location: Xq12.
Variant type: single nucleotide variant.
Coding change: c.891G>T on transcript NM_031206.7 (MANE Select); coding-DNA position 891, G replaced by T.
Protein change: p.Trp297Cys; replaces tryptophan 297 with cysteine.
Molecular consequence: missense variant. On other transcripts: non-coding transcript variant (1), intron variant (1).
Genome position (GRCh38, 1-based): chrX:65,528,325, C>A on the plus strand (G>T on the coding strand, the complement: LAS1L is on the minus strand). VCF-style: chrX-65528325-C-A. GRCh37 (hg19) VCF-style: chrX-64748205-C-A.
Other names: c.891G>T, p.Trp297Cys (NM_001170649.2, NM_001375328.1, NM_001375329.1 and 7 more transcripts); c.765G>T, p.Trp255Cys (NM_001170650.2); c.50+887G>T (NM_001375332.1); short protein forms W255C, W297C.
Identifiers: ClinVar variation 1304726 (VCV001304726.2), dbSNP rs2148306795, ClinGen allele CA413319157.

ClinVar aggregate classification (germline): Uncertain significance (1 of 4 stars; one submission).

Submission:

GeneDx
Classification: Uncertain significance. Last evaluated: 2020-02-03. Review status: criteria provided, single submitter. Criteria: GeneDx Variant Classification Process June 2021. Collection method: clinical testing. Allele origin: germline. Affected: yes.
Comment: Not observed in large population cohorts (Lek et al., 2016); In silico analysis supports that this missense variant has a deleterious effect on protein structure/function; Has not been previously published as pathogenic or benign to our knowledge